The following is an entry in ClinVar:

ClinVar aggregate classification (germline): Pathogenic (1 of 4 stars; one submission).

Conditions:
PURA-related severe neonatal hypotonia-seizures-encephalopathy syndrome (NEDRIHF). Also called: NEURODEVELOPMENTAL DISORDER WITH NEONATAL RESPIRATORY INSUFFICIENCY, HYPOTONIA, AND FEEDING DIFFICULTIES; PURA-Related Neurodevelopmental Disorders. Identifiers: Orphanet 438213, Orphanet 438216, MedGen C4015357, MONDO:1060108, OMIM 616158, MONDO:0018580.

Submission:

Labcorp Genetics (formerly Invitae), Labcorp
Classification: Pathogenic for PURA-related severe neonatal hypotonia-seizures-encephalopathy syndrome. Last evaluated: 2019-11-03. Review status: criteria provided, single submitter. Criteria: Invitae Variant Classification Sherloc (09022015). Collection method: clinical testing. Allele origin: germline.
Comment: The frequency data for this variant in the population databases is considered unreliable, as metrics indicate insufficient coverage at this position in the ExAC database. For these reasons, this variant has been classified as Pathogenic. This variant disrupts the C-terminus of the PURA protein. Other variant(s) that disrupt this region (p.Gln186*, p.Tyr261*) have been determined to be pathogenic (PMID: 25439098). This suggests that variants that disrupt this region of the protein are likely to be causative of disease. This variant has not been reported in the literature in individuals with PURA-related conditions. This sequence change results in a premature translational stop signal in the PURA gene (p.Ala50Profs*28). While this is not anticipated to result in nonsense mediated decay, it is expected to disrupt the last 273 amino acids of the PURA protein.

Literature cited by the submitters: PubMed 25439098.

NM_005859.5(PURA):c.144del (p.Ala50fs)

Gene: PURA (purine rich element binding protein A; plus strand). Cytogenetic location: 5q31.3.
Variant type: Deletion.
Coding change: c.144del on transcript NM_005859.5 (MANE Select); coding-DNA position 144, one base deleted (C; older notation c.144delC).
Protein change: p.Ala50fs; shifts the reading frame from alanine 50.
Molecular consequence: frameshift variant.
Genome position (GRCh38, 1-based): chr5:140,114,325, C deleted. VCF-style (leftmost placement, unchanged base first): chr5-140114324-GC-G. GRCh37 (hg19) VCF-style: chr5-139493909-GC-G.
Other names: short protein forms A50fs.
Identifiers: ClinVar variation 965453 (VCV000965453.10), dbSNP rs1763039753, ClinGen allele CA1139659096.